The following is an entry in ClinVar:

ClinVar aggregate classification (germline): Uncertain significance (0 of 4 stars; one submission).

Conditions:
ALMS1-related disorder. Also called: ALMS1-related condition.

gnomAD v4.1: 4 of 1,614,162 alleles (0.00025%); highest among the groups gnomAD compares: South Asian, 0.0033%; no homozygotes.

Submission:

PreventionGenetics, part of Exact Sciences
Classification: Uncertain significance for ALMS1-related condition. Last evaluated: 2024-02-15. Review status: no assertion criteria provided. Collection method: clinical testing. Allele origin: germline.
Comment: The ALMS1 c.10166C>T variant is predicted to result in the amino acid substitution p.Ala3389Val. To our knowledge, this variant has not been reported in the literature. This variant is reported in 0.0016% of alleles in individuals of European (non-Finnish) descent in gnomAD. At this time, the clinical significance of this variant is uncertain due to the absence of conclusive functional and genetic evidence.

NM_001378454.1(ALMS1):c.10163C>T (p.Thr3388Ile)

Gene: ALMS1 (ALMS1 centrosome and basal body associated protein; plus strand). Cytogenetic location: 2p13.1.
Variant type: single nucleotide variant.
Coding change: c.10163C>T on transcript NM_001378454.1 (MANE Select); coding-DNA position 10163, C replaced by T.
Protein change: p.Thr3388Ile; replaces threonine 3388 with isoleucine.
Molecular consequence: missense variant.
Genome position (GRCh38, 1-based): chr2:73,557,304, C>T. VCF-style: chr2-73557304-C-T. GRCh37 (hg19) VCF-style: chr2-73784431-C-T.
Other names: c.10166C>T, p.Thr3389Ile (NM_015120.4); short protein forms T3388I, T3389I.
Identifiers: ClinVar variation 3349409 (VCV003349409.1).